The following is an entry in ClinVar:

ClinVar aggregate classification (germline): Uncertain significance. Review status: criteria provided, multiple submitters, no conflicts (2 of 4 stars). 2 submissions from 2 submitters: Uncertain significance (2). Last evaluated 2024-04-07.

Conditions:
Hereditary cancer-predisposing syndrome. Also called: Neoplastic Syndromes, Hereditary; Tumor predisposition; Hereditary neoplastic syndrome; Hereditary Cancer Syndrome. Identifiers: Orphanet 140162, MedGen C0027672, MeSH D009386, MONDO:0015356.
Breast-ovarian cancer, familial, susceptibility to, 4. Identifiers: Orphanet 145, MedGen C3280345, MONDO:0013669, OMIM 614291.

Submissions (2):

Labcorp Genetics (formerly Invitae), Labcorp
Classification: Uncertain significance for Breast-ovarian cancer, familial, susceptibility to, 4. Last evaluated: 2024-04-07. Review status: criteria provided, single submitter. Criteria: Invitae Variant Classification Sherloc (09022015). Collection method: clinical testing. Allele origin: germline.
Comment: This sequence change replaces threonine, which is neutral and polar, with isoleucine, which is neutral and non-polar, at codon 142 of the RAD51D protein (p.Thr142Ile). This variant is not present in population databases (gnomAD no frequency). This variant has not been reported in the literature in individuals affected with RAD51D-related conditions. ClinVar contains an entry for this variant (Variation ID: 824732). Advanced modeling of protein sequence and biophysical properties (such as structural, functional, and spatial information, amino acid conservation, physicochemical variation, residue mobility, and thermodynamic stability) performed at Invitae indicates that this missense variant is not expected to disrupt RAD51D protein function with a negative predictive value of 80%. In summary, the available evidence is currently insufficient to determine the role of this variant in disease. Therefore, it has been classified as a Variant of Uncertain Significance.

Ambry Genetics
Classification: Uncertain significance for Hereditary cancer-predisposing syndrome. Last evaluated: 2024-02-20. Review status: criteria provided, single submitter. Criteria: Ambry Variant Classification Scheme 2023. Collection method: clinical testing. Allele origin: germline.
Comment: The p.T142I variant (also known as c.425C>T), located in coding exon 5 of the RAD51D gene, results from a C to T substitution at nucleotide position 425. The threonine at codon 142 is replaced by isoleucine, an amino acid with similar properties. This amino acid position is well conserved in available vertebrate species. In addition, this alteration is predicted to be deleterious by in silico analysis. Since supporting evidence is limited at this time, the clinical significance of this alteration remains unclear.

NM_002878.4(RAD51D):c.425C>T (p.Thr142Ile)

Genes: RAD51D (RAD51 paralog D; minus strand), RAD51L3-RFFL (RAD51L3-RFFL readthrough; minus strand). Cytogenetic location: 17q12.
Variant type: single nucleotide variant.
Coding change: c.425C>T on transcript NM_002878.4 (MANE Select); coding-DNA position 425, C replaced by T.
Protein change: p.Thr142Ile; replaces threonine 142 with isoleucine.
Molecular consequence: missense variant. On other transcripts: non-coding transcript variant (1), intron variant (1).
Genome position (GRCh38, 1-based): chr17:35,107,043, G>A on the plus strand (C>T on the coding strand, the complement: RAD51D is on the minus strand). VCF-style: chr17-35107043-G-A. GRCh37 (hg19) VCF-style: chr17-33434062-G-A.
Other names: c.485C>T, p.Thr162Ile (NM_001142571.2); c.145-562C>T (NM_133629.3); short protein forms T142I, T162I.
Identifiers: ClinVar variation 824732 (VCV000824732.10), dbSNP rs757099471, ClinGen allele CA399089251.